The following is an entry in ClinVar:

NM_000552.5(VWF):c.5293G>T (p.Gly1765Ter)

Gene: VWF (von Willebrand factor; minus strand). Cytogenetic location: 12p13.31.
Variant type: single nucleotide variant.
Coding change: c.5293G>T on transcript NM_000552.5 (MANE Select); coding-DNA position 5293, G replaced by T.
Protein change: p.Gly1765Ter; replaces glycine 1765 with a stop codon.
Molecular consequence: nonsense.
Genome position (GRCh38, 1-based): chr12:6,016,534, C>A on the plus strand (G>T on the coding strand, the complement: VWF is on the minus strand). VCF-style: chr12-6016534-C-A. GRCh37 (hg19) VCF-style: chr12-6125700-C-A.
Other names: short protein forms G1765*.
Identifiers: ClinVar variation 1331644 (VCV001331644.4), dbSNP rs1268910016, ClinGen allele CA383495935.

ClinVar aggregate classification (germline): Likely pathogenic (1 of 4 stars; one submission).

gnomAD v4.1: 3 of 1,614,072 alleles (0.00019%); highest among the groups gnomAD compares: Non-Finnish European, 0.00025%; no homozygotes.

Submission:

Greenwood Genetic Center Diagnostic Laboratories, Greenwood Genetic Center
Classification: Likely pathogenic. Last evaluated: 2021-01-12. Review status: criteria provided, single submitter. Criteria: ACMG Guidelines, 2015. Collection method: clinical testing. Allele origin: germline. Affected: yes.
Comment: PM2